The following is an entry in ClinVar:

ClinVar aggregate classification (germline): Pathogenic (1 of 4 stars; one submission).

Conditions:
Autosomal recessive limb-girdle muscular dystrophy type 2U. Also called: Muscular dystrophy-dystroglycanopathy (limb-girdle), type c, 7; MUSCULAR DYSTROPHY, LIMB-GIRDLE, TYPE 2U. Identifiers: Orphanet 352479, MedGen C5190987, MONDO:0014474, OMIM 616052.
Muscular dystrophy-dystroglycanopathy (congenital with brain and eye anomalies), type A, 7. Also called: WALKER-WARBURG SYNDROME OR MUSCLE-EYE-BRAIN DISEASE, ISPD-RELATED; Congenital muscular dystrophy-dystroglycanopathy with brain and eye anomalies, type A7. Identifiers: Orphanet 899, MedGen C3553330, MONDO:0013835, OMIM 614643.

Submission:

Labcorp Genetics (formerly Invitae), Labcorp
Classification: Pathogenic for Muscular dystrophy-dystroglycanopathy (congenital with brain and eye anomalies), type A, 7; Autosomal recessive limb-girdle muscular dystrophy type 2U. Last evaluated: 2023-11-16. Review status: criteria provided, single submitter. Criteria: Invitae Variant Classification Sherloc (09022015). Collection method: clinical testing. Allele origin: unknown.
Comment: This variant is a gross deletion of the genomic region encompassing exon(s) 6-9 of the ISPD gene. While this deletion is not anticipated to lead to nonsense mediated decay, it is expected to disrupt the C-terminus of the protein. A similar copy number variant has been observed in individual(s) with clinical features of muscular dystrophy-dystroglycanopathy (PMID: 31909476, 34485198). This variant disrupts a region of the ISPD protein in which other variant(s) (p.Val372del) have been determined to be pathogenic (PMID: 23288328, 23390185, 27234031, 31127727). This suggests that this is a clinically significant region of the protein, and that variants that disrupt it are likely to be disease-causing. For these reasons, this variant has been classified as Pathogenic.

Literature cited by the submitters: PubMed 31909476; PubMed 34485198; PubMed 23288328; PubMed 23390185; PubMed 27234031; PubMed 31127727.

NC_000007.13:g.(?_16255671)_(16317871_?)del

Gene: CRPPA (CDP-L-ribitol pyrophosphorylase A; minus strand). Cytogenetic location: 7p21.2.
Variant type: Deletion.
Identifiers: ClinVar variation 3245806 (VCV003245806.1).